The following is an entry in ClinVar:

ClinVar aggregate classification (germline): Uncertain significance (1 of 4 stars; one submission).

Allele frequency attached by ClinVar (database versions not stated): ExAC 0.00001.
gnomAD v4.1: 4 of 1,614,186 alleles (0.00025%); highest among the groups gnomAD compares: Middle Eastern, 0.016%; no homozygotes.

Submission:

Labcorp Genetics (formerly Invitae), Labcorp
Classification: Uncertain significance. Last evaluated: 2023-10-05. Review status: criteria provided, single submitter. Criteria: Invitae Variant Classification Sherloc (09022015). Collection method: clinical testing. Allele origin: germline.
Comment: This sequence change replaces glutamic acid, which is acidic and polar, with glutamine, which is neutral and polar, at codon 90 of the TGM6 protein (p.Glu90Gln). This variant is not present in population databases (gnomAD no frequency). This variant has not been reported in the literature in individuals affected with TGM6-related conditions. Advanced modeling of protein sequence and biophysical properties (such as structural, functional, and spatial information, amino acid conservation, physicochemical variation, residue mobility, and thermodynamic stability) performed at Invitae indicates that this missense variant is not expected to disrupt TGM6 protein function. In summary, the available evidence is currently insufficient to determine the role of this variant in disease. Therefore, it has been classified as a Variant of Uncertain Significance.

NM_198994.3(TGM6):c.268G>C (p.Glu90Gln)

Gene: TGM6 (transglutaminase 6; plus strand). Cytogenetic location: 20p13.
Variant type: single nucleotide variant.
Coding change: c.268G>C on transcript NM_198994.3 (MANE Select); coding-DNA position 268, G replaced by C.
Protein change: p.Glu90Gln; replaces glutamic acid 90 with glutamine.
Molecular consequence: missense variant.
Genome position (GRCh38, 1-based): chr20:2,395,280, G>C. VCF-style: chr20-2395280-G-C. GRCh37 (hg19) VCF-style: chr20-2375926-G-C.
Other names: c.268G>C, p.Glu90Gln (NM_001254734.2); short protein forms E90Q.
Identifiers: ClinVar variation 2880980 (VCV002880980.3), dbSNP rs765585731, ClinGen allele CA9731603.
Genomic context (GRCh38, chr20:2,395,280, plus strand): 5'-ACCAAAGCTGTGTTCCAGACATCGGAGCTGGAGCGGGGTGAGGGCTGGACAGCAGCAAGG[G>C]AGGCTCAGATGGAGAAAACTCTGACCGTCAGTCTCGCCAGCCCTCCCAGTGCTGTCATTG-3'
Protein context (NP_945345.2, residues 80-100): ERGEGWTAAR[Glu90Gln]AQMEKTLTVS